The following is an entry in ClinVar:

NM_001130987.2(DYSF):c.5458-5C>T

Gene: DYSF (dysferlin; plus strand). Cytogenetic location: 2p13.2.
Variant type: single nucleotide variant.
Coding change: c.5458-5C>T on transcript NM_001130987.2 (MANE Select); 5 bases into the intron before coding-DNA position 5458, C replaced by T.
Molecular consequence: intron variant.
Genome position (GRCh38, 1-based): chr2:71,668,749, C>T. VCF-style: chr2-71668749-C-T. GRCh37 (hg19) VCF-style: chr2-71895879-C-T.
Other names: c.5434-5C>T (NM_001130979.2); c.5455-5C>T (NM_001130981.2); c.5392-5C>T (NM_001130980.2); c.5404-5C>T (NM_001130978.2); c.5341-5C>T (NM_003494.4); c.5362-5C>T (NM_001130977.2); c.5299-5C>T (NM_001130976.2); c.5437-5C>T (NM_001130982.2); and 5 more.
Identifiers: ClinVar variation 703320 (VCV000703320.47), dbSNP rs780391061, ClinGen allele CA1707395.

ClinVar aggregate classification (germline): Conflicting classifications of pathogenicity. Review status: criteria provided, conflicting classifications (1 of 4 stars). 3 submissions from 3 submitters: Uncertain significance (1); Likely benign (1). 1 of the submissions does not count toward it. Last evaluated 2025-10-22.

Conditions:
Neuromuscular disease caused by qualitative or quantitative defects of dysferlin. Also called: Dysferlinopathy; Qualitative or quantitative defects of dysferlin. Identifiers: Orphanet 207073, MedGen C2931687, MONDO:0016145.
Autosomal recessive limb-girdle muscular dystrophy type 2B (LGMDR2). Also called: MUSCULAR DYSTROPHY, LIMB-GIRDLE, AUTOSOMAL RECESSIVE 2; Limb-girdle muscular dystrophy, type 2B; Limb-Girdle Muscular Dystrophy Type 2B (LGMD2B); MUSCULAR DYSTROPHY, LIMB-GIRDLE, TYPE 3. Identifiers: Orphanet 268, MedGen C1850889, MONDO:0009676, OMIM 253601.

Allele frequency attached by ClinVar (database versions not stated): TOPMed below 0.00001; ExAC 0.00001; gnomAD 0.00001; gnomAD exomes 0.00003.
gnomAD v4.1: 19 of 1,613,048 alleles (0.0012%); highest among the groups gnomAD compares: Admixed American, 0.013%; no homozygotes.

Submissions (3):

Labcorp Genetics (formerly Invitae), Labcorp
Classification: Likely benign for Neuromuscular disease caused by qualitative or quantitative defects of dysferlin. Last evaluated: 2025-10-22. Review status: criteria provided, single submitter. Criteria: Invitae Variant Classification Sherloc (09022015). Collection method: clinical testing. Allele origin: germline.

CeGaT Center for Human Genetics Tuebingen
Classification: Uncertain significance. Last evaluated: 2022-04-01. Review status: criteria provided, single submitter. Criteria: CeGaT Center For Human Genetics Tuebingen Variant Classification Criteria Version 2. Collection method: clinical testing. Allele origin: germline. Affected: yes. Observed: 1 variant allele.
Comment: DYSF: PM2, BP4

Natera, Inc.
Classification: Uncertain significance for Limb-girdle muscular dystrophy type 2B. Last evaluated: 2020-01-24. Review status: no assertion criteria provided. Collection method: clinical testing. Allele origin: germline. Not counted in ClinVar's aggregate classification.